The following is an entry in ClinVar:

ClinVar aggregate classification (germline): Uncertain significance. Review status: criteria provided, multiple submitters, no conflicts (2 of 4 stars). 2 submissions from 2 submitters: Uncertain significance (2). Last evaluated 2024-10-17.

Allele frequency attached by ClinVar (database versions not stated): 1000 Genomes Project 30x 0.00031.
gnomAD v4.1: 75 of 1,613,854 alleles (0.0046%); highest among the groups gnomAD compares: Admixed American, 0.07%; 1 homozygote.

Submissions (2):

Ambry Genetics
Classification: Uncertain significance. Last evaluated: 2024-10-17. Review status: criteria provided, single submitter. Criteria: Ambry Variant Classification Scheme 2023. Collection method: clinical testing. Allele origin: germline.

Labcorp Genetics (formerly Invitae), Labcorp
Classification: Uncertain significance. Last evaluated: 2022-09-15. Review status: criteria provided, single submitter. Criteria: Invitae Variant Classification Sherloc (09022015). Collection method: clinical testing. Allele origin: germline.
Comment: This sequence change replaces leucine, which is neutral and non-polar, with methionine, which is neutral and non-polar, at codon 307 of the SBF1 protein (p.Leu307Met). This variant is present in population databases (rs564047488, gnomAD 0.05%). This variant has not been reported in the literature in individuals affected with SBF1-related conditions. ClinVar contains an entry for this variant (Variation ID: 1474527). Advanced modeling of protein sequence and biophysical properties (such as structural, functional, and spatial information, amino acid conservation, physicochemical variation, residue mobility, and thermodynamic stability) performed at Invitae indicates that this missense variant is expected to disrupt SBF1 protein function. In summary, the available evidence is currently insufficient to determine the role of this variant in disease. Therefore, it has been classified as a Variant of Uncertain Significance.

NM_002972.4(SBF1):c.919C>A (p.Leu307Met)

Gene: SBF1 (SET binding factor 1; minus strand). Cytogenetic location: 22q13.33.
Variant type: single nucleotide variant.
Coding change: c.919C>A on transcript NM_002972.4 (MANE Select); coding-DNA position 919, C replaced by A.
Protein change: p.Leu307Met; replaces leucine 307 with methionine.
Molecular consequence: missense variant.
Genome position (GRCh38, 1-based): chr22:50,466,053, G>T on the plus strand (C>A on the coding strand, the complement: SBF1 is on the minus strand). VCF-style: chr22-50466053-G-T. GRCh37 (hg19) VCF-style: chr22-50904482-G-T.
Other names: c.922C>A, p.Leu308Met (NM_001365819.1); c.919C>A (NM_002972.2); short protein forms L308M, L307M.
Identifiers: ClinVar variation 1474527 (VCV001474527.7), dbSNP rs564047488, ClinGen allele CA10317909.